The following is an entry in ClinVar:

NM_002691.4(POLD1):c.2549G>T (p.Arg850Leu)

Gene: POLD1 (DNA polymerase delta 1, catalytic subunit; plus strand). Cytogenetic location: 19q13.33.
Variant type: single nucleotide variant.
Coding change: c.2549G>T on transcript NM_002691.4 (MANE Select); coding-DNA position 2549, G replaced by T.
Protein change: p.Arg850Leu; replaces arginine 850 with leucine.
Molecular consequence: missense variant. On other transcripts: non-coding transcript variant (1).
Genome position (GRCh38, 1-based): chr19:50,414,975, G>T. VCF-style: chr19-50414975-G-T. GRCh37 (hg19) VCF-style: chr19-50918232-G-T.
Other names: c.2549G>T (NM_002691.2); c.2549G>T, p.Arg850Leu (NM_001256849.1); c.2627G>T, p.Arg876Leu (NM_001308632.1); short protein forms R850L, R876L.
Identifiers: ClinVar variation 2126512 (VCV002126512.5), dbSNP rs764432550, ClinGen allele CA406985226.

ClinVar aggregate classification (germline): Conflicting classifications of pathogenicity. Review status: criteria provided, conflicting classifications (1 of 4 stars). 2 submissions from 2 submitters: Uncertain significance (1); Likely benign (1). Last evaluated 2025-06-24.

Conditions:
POLD1-related polyposis and colorectal cancer syndrome (CRCS10). Also called: Colorectal cancer 10; COLORECTAL CANCER, SUSCEPTIBILITY TO, ON CHROMOSOME 19q; Colorectal cancer, susceptibility to, 10. Identifiers: Orphanet 220460, MedGen C2675481, MONDO:0012953, OMIM 612591.
Hereditary cancer-predisposing syndrome. Also called: Tumor predisposition; Neoplastic Syndromes, Hereditary; Hereditary Cancer Syndrome; Hereditary neoplastic syndrome. Identifiers: Orphanet 140162, MedGen C0027672, MeSH D009386, MONDO:0015356.

Submissions (2):

Ambry Genetics
Classification: Likely benign for Hereditary cancer-predisposing syndrome. Last evaluated: 2025-06-24. Review status: criteria provided, single submitter. Criteria: Ambry Variant Classification Scheme 2023. Collection method: clinical testing. Allele origin: germline.

Labcorp Genetics (formerly Invitae), Labcorp
Classification: Uncertain significance for POLD1-related polyposis and colorectal cancer syndrome. Last evaluated: 2023-07-17. Review status: criteria provided, single submitter. Criteria: Invitae Variant Classification Sherloc (09022015). Collection method: clinical testing. Allele origin: germline.
Comment: In summary, the available evidence is currently insufficient to determine the role of this variant in disease. Therefore, it has been classified as a Variant of Uncertain Significance. Advanced modeling of protein sequence and biophysical properties (such as structural, functional, and spatial information, amino acid conservation, physicochemical variation, residue mobility, and thermodynamic stability) performed at Invitae indicates that this missense variant is not expected to disrupt POLD1 protein function. ClinVar contains an entry for this variant (Variation ID: 2126512). This variant has not been reported in the literature in individuals affected with POLD1-related conditions. This variant is not present in population databases (gnomAD no frequency). This sequence change replaces arginine, which is basic and polar, with leucine, which is neutral and non-polar, at codon 850 of the POLD1 protein (p.Arg850Leu).